The following is an entry in ClinVar:

ClinVar aggregate classification (germline): Uncertain significance. Review status: criteria provided, multiple submitters, no conflicts (2 of 4 stars). 2 submissions from 2 submitters: Uncertain significance (2). Last evaluated 2024-10-08.

Allele frequency attached by ClinVar (database versions not stated): ExAC 0.00031; TOPMed 0.00031; gnomAD 0.00036; ESP Exome Variant Server 0.00046; gnomAD exomes 0.00052.
gnomAD v4.1: 794 of 1,613,064 alleles (0.049%); highest among the groups gnomAD compares: Non-Finnish European, 0.061%; no homozygotes.

Submissions (2):

Labcorp Genetics (formerly Invitae), Labcorp
Classification: Uncertain significance. Last evaluated: 2024-10-08. Review status: criteria provided, single submitter. Criteria: Invitae Variant Classification Sherloc (09022015). Collection method: clinical testing. Allele origin: germline.
Comment: This sequence change replaces cysteine, which is neutral and slightly polar, with tyrosine, which is neutral and polar, at codon 610 of the GUCY1A1 protein (p.Cys610Tyr). This variant is present in population databases (rs201913028, gnomAD 0.06%). This variant has not been reported in the literature in individuals affected with GUCY1A1-related conditions. ClinVar contains an entry for this variant (Variation ID: 2135365). Invitae Evidence Modeling of protein sequence and biophysical properties (such as structural, functional, and spatial information, amino acid conservation, physicochemical variation, residue mobility, and thermodynamic stability) indicates that this missense variant is not expected to disrupt GUCY1A1 protein function with a negative predictive value of 80%. In summary, the available evidence is currently insufficient to determine the role of this variant in disease. Therefore, it has been classified as a Variant of Uncertain Significance.

Ambry Genetics
Classification: Uncertain significance. Last evaluated: 2021-08-02. Review status: criteria provided, single submitter. Criteria: Ambry Variant Classification Scheme 2023. Collection method: clinical testing. Allele origin: germline.

NM_001130682.3(GUCY1A1):c.1829G>A (p.Cys610Tyr)

Gene: GUCY1A1 (guanylate cyclase 1 soluble subunit alpha 1; plus strand). Cytogenetic location: 4q32.1.
Variant type: single nucleotide variant.
Coding change: c.1829G>A on transcript NM_001130682.3 (MANE Select); coding-DNA position 1829, G replaced by A.
Protein change: p.Cys610Tyr; replaces cysteine 610 with tyrosine.
Molecular consequence: missense variant. On other transcripts: intron variant (1).
Genome position (GRCh38, 1-based): chr4:155,722,150, G>A. VCF-style: chr4-155722150-G-A. GRCh37 (hg19) VCF-style: chr4-156643302-G-A.
Other names: c.1829G>A, p.Cys610Tyr (NM_000856.6, NM_001130683.4, NM_001130684.3 and 11 more transcripts); c.1124G>A, p.Cys375Tyr (NM_001130685.3); c.1322G>A, p.Cys441Tyr (NM_001379676.1); c.1716+4848G>A (NM_001379675.1); c.1829G>A (NM_001130683.2); short protein forms C441Y, C610Y, C375Y.
Identifiers: ClinVar variation 2135365 (VCV002135365.3), dbSNP rs201913028, ClinGen allele CA3117486.
Genomic context (GRCh38, chr4:155,722,150, plus strand): 5'-AAATGCCCCGTTACTGTCTTTTTGGAAACAATGTCACTCTGGCTAACAAATTTGAGTCCT[G>A]CAGTGTACCACGAAAAATCAATGTCAGCCCAACAACTTACAGGTAGTAATTATGTTAAAC-3'
Protein context (NP_001124154.1, residues 600-620): NVTLANKFES[Cys610Tyr]SVPRKINVSP